The following is an entry in ClinVar:

NM_019842.4(KCNQ5):c.2163C>G (p.Ser721Arg)

Gene: KCNQ5 (potassium voltage-gated channel subfamily Q member 5; plus strand). Cytogenetic location: 6q13.
Variant type: single nucleotide variant.
Coding change: c.2163C>G on transcript NM_019842.4 (MANE Select); coding-DNA position 2163, C replaced by G.
Protein change: p.Ser721Arg; replaces serine 721 with arginine.
Molecular consequence: missense variant.
Genome position (GRCh38, 1-based): chr6:73,194,778, C>G. VCF-style: chr6-73194778-C-G. GRCh37 (hg19) VCF-style: chr6-73904501-C-G.
Other names: c.2136C>G, p.Ser712Arg (NM_001160130.2); c.2193C>G, p.Ser731Arg (NM_001160132.2); c.2220C>G, p.Ser740Arg (NM_001160133.2); c.1833C>G, p.Ser611Arg (NM_001160134.2); short protein forms S611R, S712R, S721R, S731R, S740R.
Identifiers: ClinVar variation 4801378 (VCV004801378.1).
Genomic context (GRCh38, chr6:73,194,778, plus strand): 5'-TTTCTACGCGCTTAGCCCTACTATGCACAGTCAAGCAACACAGGTGCCAATTAGTCAAAG[C>G]GATGGCTCAGCAGTGGCAGCCACCAACACCATTGCAAACCAAATAAATACGGCACCCAAG-3'
Protein context (NP_062816.2, residues 711-731): SQATQVPISQ[Ser721Arg]DGSAVAATNT

ClinVar aggregate classification (germline): Uncertain significance (1 of 4 stars; one submission).

Submission:

Labcorp Genetics (formerly Invitae), Labcorp
Classification: Uncertain significance. Last evaluated: 2025-06-09. Review status: criteria provided, single submitter. Criteria: Invitae Variant Classification Sherloc (09022015). Collection method: clinical testing. Allele origin: germline.
Comment: This sequence change replaces serine, which is neutral and polar, with arginine, which is basic and polar, at codon 740 of the KCNQ5 protein (p.Ser740Arg). This variant is not present in population databases (gnomAD no frequency). This variant has not been reported in the literature in individuals affected with KCNQ5-related conditions. Invitae Evidence Modeling of protein sequence and biophysical properties (such as structural, functional, and spatial information, amino acid conservation, physicochemical variation, residue mobility, and thermodynamic stability) indicates that this missense variant is not expected to disrupt KCNQ5 protein function with a negative predictive value of 95%. In summary, the available evidence is currently insufficient to determine the role of this variant in disease. Therefore, it has been classified as a Variant of Uncertain Significance.